The following is an entry in ClinVar:

ClinVar aggregate classification (germline): Uncertain significance (1 of 4 stars; one submission).

Conditions:
Werner syndrome (WRN). Identifiers: Orphanet 902, MedGen C0043119, MONDO:0010196, OMIM 277700.

Allele frequency attached by ClinVar (database versions not stated): gnomAD exomes below 0.00001.
gnomAD v4.1: 24 of 1,613,938 alleles (0.0015%); highest among the groups gnomAD compares: Non-Finnish European, 0.0019%; no homozygotes.

Submission:

Labcorp Genetics (formerly Invitae), Labcorp
Classification: Uncertain significance for Werner syndrome. Last evaluated: 2024-08-20. Review status: criteria provided, single submitter. Criteria: Invitae Variant Classification Sherloc (09022015). Collection method: clinical testing. Allele origin: germline.
Comment: This sequence change replaces isoleucine, which is neutral and non-polar, with threonine, which is neutral and polar, at codon 1145 of the WRN protein (p.Ile1145Thr). This variant is present in population databases (rs760910926, gnomAD 0.003%). This variant has not been reported in the literature in individuals affected with WRN-related conditions. ClinVar contains an entry for this variant (Variation ID: 458455). An algorithm developed to predict the effect of missense changes on protein structure and function outputs the following: PolyPhen-2: "Benign". The threonine amino acid residue is found in multiple mammalian species, which suggests that this missense change does not adversely affect protein function. In summary, the available evidence is currently insufficient to determine the role of this variant in disease. Therefore, it has been classified as a Variant of Uncertain Significance.

NM_000553.6(WRN):c.3434T>C (p.Ile1145Thr)

Gene: WRN (WRN RecQ like helicase; plus strand). Cytogenetic location: 8p12.
Variant type: single nucleotide variant.
Coding change: c.3434T>C on transcript NM_000553.6 (MANE Select); coding-DNA position 3434, T replaced by C.
Protein change: p.Ile1145Thr; replaces isoleucine 1145 with threonine.
Molecular consequence: missense variant.
Genome position (GRCh38, 1-based): chr8:31,147,103, T>C. VCF-style: chr8-31147103-T-C. GRCh37 (hg19) VCF-style: chr8-31004619-T-C.
Other names: short protein forms I1145T.
Identifiers: ClinVar variation 458455 (VCV000458455.8), dbSNP rs760910926, ClinGen allele CA174904668.